The following is an entry in ClinVar:

ClinVar aggregate classification (germline): Pathogenic (1 of 4 stars; one submission).

Conditions:
Cardiovascular phenotype. Identifiers: MedGen CN230736.
Hereditary cancer-predisposing syndrome. Also called: Tumor predisposition; Neoplastic Syndromes, Hereditary; Hereditary Cancer Syndrome; Hereditary neoplastic syndrome. Identifiers: Orphanet 140162, MedGen C0027672, MeSH D009386, MONDO:0015356.

Submission:

Ambry Genetics
Classification: Pathogenic for Cardiovascular phenotype; Hereditary cancer-predisposing syndrome. Last evaluated: 2017-03-10. Review status: criteria provided, single submitter. Criteria: Ambry Variant Classification Scheme 2023. Collection method: clinical testing. Allele origin: germline.
Comment: The c.1128dupG pathogenic mutation, located in coding exon 10 of the NF1 gene, results from a duplication of G at nucleotide position 1128, causing a translational frameshift with a predicted alternate stop codon (p.I377Dfs*2). This alteration is expected to result in loss of function by premature protein truncation or nonsense-mediated mRNA decay. As such, this alteration is interpreted as a disease-causing mutation.

NM_001042492.3(NF1):c.1128dup (p.Ile377fs)

Gene: NF1 (neurofibromin 1; plus strand). Cytogenetic location: 17q11.2.
Variant type: Duplication.
Coding change: c.1128dup on transcript NM_001042492.3 (MANE Select); coding-DNA position 1128, one base duplicated (G; older notation c.1128dupG).
Protein change: p.Ile377fs; shifts the reading frame from isoleucine 377.
Molecular consequence: frameshift variant.
Genome position (GRCh38, 1-based): chr17:31,201,102, G duplicated. VCF-style (leftmost placement, unchanged base first): chr17-31201101-T-TG. GRCh37 (hg19) VCF-style: chr17-29528119-T-TG.
Other names: c.1128dupG (NM_000267.3); c.1128dup, p.Ile377Aspfs (NM_000267.4); c.1128dup, p.Ile377fs (NM_001128147.3); short protein forms I377fs.
Identifiers: ClinVar variation 1727420 (VCV001727420.2), dbSNP rs2544797147, ClinGen allele CA2580092915.